The following is an entry in ClinVar:

ClinVar aggregate classification (germline): Uncertain significance. Review status: criteria provided, multiple submitters, no conflicts (2 of 4 stars). 2 submissions from 2 submitters: Uncertain significance (2). Last evaluated 2026-05-20.

Conditions:
Atrial septal defect 3 (ASD3). Identifiers: Orphanet 1478, MedGen C3279790, MONDO:0013567, OMIM 614089.

Submissions (2):

GeneDx
Classification: Uncertain significance. Last evaluated: 2026-05-20. Review status: criteria provided, single submitter. Criteria: GeneDx Variant Classification Process June 2021. Collection method: clinical testing. Allele origin: germline.
Comment: Not observed at significant frequency in large population cohorts (gnomAD); Canonical splice site variant in a gene or region of a gene for which loss of function is not a well-established mechanism of disease; Has not been previously published as pathogenic or benign to our knowledge

Illumina Laboratory Services, Illumina
Classification: Uncertain significance for Atrial septal defect 3. Last evaluated: 2023-01-18. Review status: criteria provided, single submitter. Criteria: ICSLVariantClassificationCriteria RUGD 01 April 2020. Collection method: clinical testing. Allele origin: unknown.
Comment: The MYH6 c.1141+2T>C variant results in the substitution of a thymidine within the consensus splice donor site with a cytosine, which may result in splicing defects leading to loss of function. To our knowledge, this variant has not been reported in the peer-reviewed literature. This variant is not found in version 2.1.1 or version 3.1.2 of the Genome Aggregation Database. Based on the available evidence, the c.1141+2T>C variant is classified as a variant of uncertain significance for atrial septal defect.

NM_002471.4(MYH6):c.1141+2T>C

Gene: MYH6 (myosin heavy chain 6; minus strand). Cytogenetic location: 14q11.2.
Variant type: single nucleotide variant.
Coding change: c.1141+2T>C on transcript NM_002471.4 (MANE Select); the canonical splice donor site of the intron after coding-DNA position 1141, T replaced by C.
Molecular consequence: splice donor variant.
Genome position (GRCh38, 1-based): chr14:23,402,462, A>G on the plus strand (T>C on the coding strand, the complement: MYH6 is on the minus strand). VCF-style: chr14-23402462-A-G. GRCh37 (hg19) VCF-style: chr14-23871671-A-G.
Identifiers: ClinVar variation 2580209 (VCV002580209.3), dbSNP rs1595062631, ClinGen allele CA389025588.